The following is an entry in ClinVar:

ClinVar aggregate classification (germline): Uncertain significance (1 of 4 stars; one submission).

Conditions:
SLC10A1-related disorder. Also called: SLC10A1-related condition.

gnomAD v4.1: 2 of 1,614,130 alleles (0.00012%); highest among the groups gnomAD compares: Non-Finnish European, 0.00017%; no homozygotes.

Submission:

PreventionGenetics, part of Exact Sciences
Classification: Uncertain significance for SLC10A1-related condition. Last evaluated: 2026-07-06. Review status: criteria provided, single submitter. Criteria: ACMG Guidelines, 2015. Collection method: clinical testing. Allele origin: germline.
Comment: The SLC10A1 c.392T>G variant is predicted to result in the amino acid substitution p.Leu131Arg. To our knowledge, this variant has not been reported in the literature or in a large population database (gnomAD), indicating this variant is rare. At this time, the clinical significance of this variant is uncertain due to the absence of conclusive functional and genetic evidence.

NM_003049.4(SLC10A1):c.392T>G (p.Leu131Arg)

Gene: SLC10A1 (solute carrier family 10 member 1; minus strand). Cytogenetic location: 14q24.1.
Variant type: single nucleotide variant.
Coding change: c.392T>G on transcript NM_003049.4 (MANE Select); coding-DNA position 392, T replaced by G.
Protein change: p.Leu131Arg; replaces leucine 131 with arginine.
Molecular consequence: missense variant.
Genome position (GRCh38, 1-based): chr14:69,786,272, A>C on the plus strand (T>G on the coding strand, the complement: SLC10A1 is on the minus strand). VCF-style: chr14-69786272-A-C. GRCh37 (hg19) VCF-style: chr14-70252989-A-C.
Other names: short protein forms L131R.
Identifiers: ClinVar variation 4996020 (VCV004996020.1).